The following is an entry in ClinVar:

NM_004453.4(ETFDH):c.1055C>A (p.Thr352Asn)

Gene: ETFDH (electron transfer flavoprotein dehydrogenase; plus strand). Cytogenetic location: 4q32.1.
Variant type: single nucleotide variant.
Coding change: c.1055C>A on transcript NM_004453.4 (MANE Select); coding-DNA position 1055, C replaced by A.
Protein change: p.Thr352Asn; replaces threonine 352 with asparagine.
Molecular consequence: missense variant.
Genome position (GRCh38, 1-based): chr4:158,699,069, C>A. VCF-style: chr4-158699069-C-A. GRCh37 (hg19) VCF-style: chr4-159620221-C-A.
Other names: c.914C>A, p.Thr305Asn (NM_001281737.2); c.872C>A, p.Thr291Asn (NM_001281738.1); short protein forms T352N, T305N, T291N.
Identifiers: ClinVar variation 1483620 (VCV001483620.8), dbSNP rs2150312268, ClinGen allele CA358562208.

ClinVar aggregate classification (germline): Uncertain significance (1 of 4 stars; one submission).

Conditions:
Multiple acyl-CoA dehydrogenase deficiency (MADD). Also called: Glutaric acidemia type II; GA 2; Glutaric aciduria, type 2; ETHYLMALONIC-ADIPICACIDURIA; GA II; Glutaric Acidemia type 2. Identifiers: Orphanet 26791, MedGen C0268596, MONDO:0009282, OMIM 231680.

Submission:

Labcorp Genetics (formerly Invitae), Labcorp
Classification: Uncertain significance for Multiple acyl-CoA dehydrogenase deficiency. Last evaluated: 2021-02-13. Review status: criteria provided, single submitter. Criteria: Invitae Variant Classification Sherloc (09022015). Collection method: clinical testing. Allele origin: germline.
Comment: This variant has not been reported in the literature in individuals with ETFDH-related conditions. Algorithms developed to predict the effect of missense changes on protein structure and function are either unavailable or do not agree on the potential impact of this missense change (SIFT: "Tolerated"; PolyPhen-2: "Possibly Damaging"; Align-GVGD: "Class C0"). In summary, the available evidence is currently insufficient to determine the role of this variant in disease. Therefore, it has been classified as a Variant of Uncertain Significance. This variant is not present in population databases (ExAC no frequency). This sequence change replaces threonine with asparagine at codon 352 of the ETFDH protein (p.Thr352Asn). The threonine residue is moderately conserved and there is a small physicochemical difference between threonine and asparagine.